The following is an entry in ClinVar:

NM_002432.3(MNDA):c.685G>A (p.Glu229Lys)

Gene: MNDA (myeloid cell nuclear differentiation antigen; plus strand). Cytogenetic location: 1q23.1.
Variant type: single nucleotide variant.
Coding change: c.685G>A on transcript NM_002432.3 (MANE Select); coding-DNA position 685, G replaced by A.
Protein change: p.Glu229Lys; replaces glutamic acid 229 with lysine.
Molecular consequence: missense variant.
Genome position (GRCh38, 1-based): chr1:158,845,701, G>A. VCF-style: chr1-158845701-G-A. GRCh37 (hg19) VCF-style: chr1-158815491-G-A.
Other names: short protein forms E229K.
Identifiers: ClinVar variation 2561581 (VCV002561581.2), dbSNP rs1186724618, ClinGen allele CA343041056.

ClinVar aggregate classification (germline): Uncertain significance (1 of 4 stars; one submission).

Allele frequency attached by ClinVar (database versions not stated): gnomAD exomes below 0.00001; TOPMed below 0.00001; gnomAD 0.00001.

Submission:

Ambry Genetics
Classification: Uncertain significance. Last evaluated: 2023-06-01. Review status: criteria provided, single submitter. Criteria: Ambry Variant Classification Scheme 2023. Collection method: clinical testing. Allele origin: germline.
Comment: The p.E229K variant (also known as c.685G>A), located in coding exon 4 of the MNDA gene, results from a G to A substitution at nucleotide position 685. The glutamic acid at codon 229 is replaced by lysine, an amino acid with similar properties. This amino acid position is conserved. In addition, this alteration is predicted to be tolerated by in silico analysis. Since supporting evidence is limited at this time, the clinical significance of this alteration remains unclear.